The following is an entry in ClinVar:

NM_007294.4(BRCA1):c.5486_5510del (p.Glu1829fs)

Gene: BRCA1 (BRCA1 DNA repair associated; minus strand). Cytogenetic location: 17q21.31.
Variant type: Deletion.
Coding change: c.5486_5510del on transcript NM_007294.4 (MANE Select); coding-DNA positions 5486 to 5510, 25 bases deleted (AGGCACCTGTGGTGACCCGAGAGTG).
Protein change: p.Glu1829fs; shifts the reading frame from glutamic acid 1829.
Molecular consequence: frameshift variant. On other transcripts: stop lost (1), non-coding transcript variant (1).
Genome position (GRCh38, 1-based): chr17:43,045,760-43,045,784, CACTCTCGGGTCACCACAGGTGCCT deleted on the plus strand (AGGCACCTGTGGTGACCCGAGAGTG on the coding strand, the reverse complement: BRCA1 is on the minus strand); deleting any 25 consecutive bases within chr17:43,045,760-43,045,787 gives the same sequence; the c. name uses the placement nearest the transcript's 3' end. VCF-style (leftmost placement, unchanged base first): chr17-43045759-CCACTCTCGGGTCACCACAGGTGCCT-C. GRCh37 (hg19) VCF-style: chr17-41197776-CCACTCTCGGGTCACCACAGGTGCCT-C.
Other names: 5605del25; c.2030_2054del25, p.Glu678Glyfs (NM_001408465.1, NM_001408466.1, NM_001408467.1 and 7 more transcripts); c.2027_2051del25, p.Glu677Glyfs (NM_001408468.1, NM_001408469.1, NM_001408470.1); c.2097_*21del25, p.Val699_Ter(700_?)(?) (NM_001408472.1); c.2094_*21del25, p.Val698_Ter(699_?)(?) (NM_001408473.1); c.1973_1997del25, p.Glu659Glyfs (NM_001408474.1); c.1970_1994del25, p.Glu658Glyfs (NM_001408475.1, NM_001408476.1); c.1964_1988del25, p.Glu656Glyfs (NM_001408478.1, NM_001408479.1, NM_001408480.1); and 87 more; short protein forms E1782fs, E1829fs, E1850fs, E725fs.
Identifiers: ClinVar variation 266554 (VCV000266554.6), dbSNP rs886040297, ClinGen allele CA10589586.

ClinVar aggregate classification (germline): Pathogenic. Review status: reviewed by expert panel (3 of 4 stars). 2 submissions from 2 submitters: Pathogenic (1). 1 of the submissions does not count toward it. Last evaluated 2016-10-18.

Conditions:
Breast-ovarian cancer, familial, susceptibility to, 1 (BROVCA1). Also called: BRCA1 Hereditary Breast and Ovarian Cancer; OVARIAN CANCER, SUSCEPTIBILITY TO. Identifiers: Orphanet 145, MedGen C2676676, MONDO:0011450, OMIM 604370. Disease mechanism: loss of function.

Submissions (2):

Evidence-based Network for the Interpretation of Germline Mutant Alleles (ENIGMA)
Classification: Pathogenic for Breast-ovarian cancer, familial, susceptibility to, 1. Last evaluated: 2016-10-18. Review status: reviewed by expert panel. Criteria: ENIGMA BRCA1/2 Classification Criteria (2015). Collection method: curation. Allele origin: germline.
Comment: Variant allele predicted to encode a truncated non-functional protein.

Consortium of Investigators of Modifiers of BRCA1/2 (CIMBA), c/o University of Cambridge
Classification: Pathogenic for Breast-ovarian cancer, familial, susceptibility to, 1. Last evaluated: 2015-10-02. Review status: criteria provided, single submitter. Criteria: CIMBA Mutation Classification guidelines May 2016. Collection method: clinical testing. Allele origin: germline. Not counted in ClinVar's aggregate classification.